The following is an entry in ClinVar:

ClinVar aggregate classification (germline): Benign/Likely benign. Review status: criteria provided, multiple submitters, no conflicts (2 of 4 stars). 11 submissions from 11 submitters: Benign (4); Likely benign (5). 2 of the submissions do not count toward it. Last evaluated 2026-09-01.

Conditions:
Hereditary sensory neuropathy-deafness-dementia syndrome. Also called: Hereditary sensory neuropathy type IE; NEUROPATHY, HEREDITARY SENSORY, WITH HEARING LOSS AND DEMENTIA; Hereditary Sensory and Autonomic Neuropathy Type 1E (HSAN1E); HSN IE. Identifiers: Orphanet 456318, MedGen C3279885, MONDO:0013584, OMIM 614116.
Autosomal dominant cerebellar ataxia, deafness and narcolepsy. Also called: Autosomal Dominant Cerebellar Ataxia, Deafness, and Narcolepsy (ADCA-DN). Identifiers: Orphanet 314404, MedGen C4302668, MONDO:0011397, OMIM 604121.
DNMT1-related disorder. Also called: DNMT1-related condition. Identifiers: MedGen CN381527.

Allele frequency attached by ClinVar (database versions not stated): TOPMed 0.00014; ESP Exome Variant Server 0.00015; 1000 Genomes Project 30x 0.00016; 1000 Genomes Project 0.00020; gnomAD exomes 0.00022 and 0.00033; ExAC 0.00032; gnomAD 0.00034 and 0.00035.
gnomAD v4.1: 373 of 1,614,178 alleles (0.023%); highest among the groups gnomAD compares: Non-Finnish European, 0.019%; no homozygotes.

Submissions (11):

CeGaT Center for Human Genetics Tuebingen
Classification: Likely benign. Last evaluated: 2026-09-01. Review status: criteria provided, single submitter. Criteria: CeGaT Center For Human Genetics Tuebingen Variant Classification Criteria Version 2. Collection method: clinical testing. Allele origin: germline. Affected: yes. Observed: 4 variant alleles.
Comment: DNMT1: BP4, BP7

Labcorp Genetics (formerly Invitae), Labcorp
Classification: Benign for Hereditary sensory neuropathy-deafness-dementia syndrome. Last evaluated: 2025-12-22. Review status: criteria provided, single submitter. Criteria: Invitae Variant Classification Sherloc (09022015). Collection method: clinical testing. Allele origin: germline.

PreventionGenetics, part of Exact Sciences
Classification: Likely benign for DNMT1-related condition. Last evaluated: 2025-06-02. Review status: criteria provided, single submitter. Criteria: ACMG Guidelines, 2015. Collection method: clinical testing. Allele origin: germline.
Comment: This variant is classified as likely benign based on ACMG/AMP sequence variant interpretation guidelines (Richards et al. 2015 PMID: 25741868, with internal and published modifications).

Mayo Clinic Laboratories, Mayo Clinic
Classification: Benign. Last evaluated: 2025-05-07. Review status: criteria provided, single submitter. Criteria: ACMG Guidelines, 2015. Collection method: clinical testing. Allele origin: germline. Observed: 1 variant allele.
Comment: BS1, BS2, BP4, BP7

Women's Health and Genetics/Laboratory Corporation of America, LabCorp
Classification: Benign. Last evaluated: 2024-11-27. Review status: criteria provided, single submitter. Criteria: LabCorp Variant Classification Summary - May 2015. Collection method: clinical testing. Allele origin: germline.

Blueprint Genetics
Classification: Likely benign. Last evaluated: 2024-04-09. Review status: criteria provided, single submitter. Criteria: ACMG Guidelines, 2015. Collection method: clinical testing. Allele origin: germline.

Fulgent Genetics
Classification: Likely benign for Autosomal dominant cerebellar ataxia, deafness and narcolepsy; Hereditary sensory neuropathy-deafness-dementia syndrome. Last evaluated: 2021-10-15. Review status: criteria provided, single submitter. Criteria: ACMG Guidelines, 2015. Collection method: clinical testing. Allele origin: unknown.

GeneDx
Classification: Likely benign. Last evaluated: 2020-08-04. Review status: criteria provided, single submitter. Criteria: GeneDx Variant Classification Process June 2021. Collection method: clinical testing. Allele origin: germline. Affected: yes.

Illumina Laboratory Services, Illumina
Classification: Benign for Hereditary sensory neuropathy-deafness-dementia syndrome. Last evaluated: 2018-01-13. Review status: criteria provided, single submitter. Criteria: ICSL Variant Classification Criteria 13 December 2019. Collection method: clinical testing. Allele origin: germline.
Comment: This variant was observed in the ICSL laboratory as part of a predisposition screen in an ostensibly healthy population. It had not been previously curated by ICSL or reported in the Human Gene Mutation Database (HGMD: prior to June 1st, 2018), and was therefore a candidate for classification through an automated scoring system. Utilizing variant allele frequency, disease prevalence and penetrance estimates, and inheritance mode, an automated score was calculated to assess if this variant is too frequent to cause the disease. Based on the score and internal cut-off values, a variant classified as benign is not then subjected to further curation. The score for this variant resulted in a classification of benign for this disease.

Clinical Genetics DNA and cytogenetics Diagnostics Lab, Erasmus MC, Erasmus Medical Center
Classification: Likely benign. Review status: no assertion criteria provided. Collection method: clinical testing. Allele origin: germline. Affected: yes. Study: VKGL Data-share Consensus. Not counted in ClinVar's aggregate classification.

Clinical Genetics, Academic Medical Center
Classification: Likely benign. Review status: no assertion criteria provided. Collection method: clinical testing. Allele origin: germline. Affected: yes. Study: VKGL Data-share Consensus. Not counted in ClinVar's aggregate classification.

NM_001130823.3(DNMT1):c.1224C>T (p.Asn408=)

Gene: DNMT1 (DNA methyltransferase 1; minus strand). Cytogenetic location: 19p13.2.
Variant type: single nucleotide variant.
Coding change: c.1224C>T on transcript NM_001130823.3 (MANE Select); coding-DNA position 1224, C replaced by T.
Protein change: p.Asn408=; no amino-acid change (asparagine 408 retained).
Molecular consequence: synonymous variant.
Genome position (GRCh38, 1-based): chr19:10,159,714, G>A on the plus strand (C>T on the coding strand, the complement: DNMT1 is on the minus strand). VCF-style: chr19-10159714-G-A. GRCh37 (hg19) VCF-style: chr19-10270390-G-A.
Other names: p.Asn408=; c.1176C>T, p.Asn392= (NM_001318730.2, NM_001379.4); c.861C>T, p.Asn287= (NM_001318731.2); c.1224C>T (NM_001130823.2, LRG_362t1).
Identifiers: ClinVar variation 327912 (VCV000327912.52), dbSNP rs199584370, ClinGen allele CA9188351.